The following is an entry in ClinVar:

NM_004795.4(KL):c.3029G>A (p.Ser1010Asn)

Gene: KL (klotho; plus strand). Cytogenetic location: 13q13.1.
Variant type: single nucleotide variant.
Coding change: c.3029G>A on transcript NM_004795.4 (MANE Select); coding-DNA position 3029, G replaced by A.
Protein change: p.Ser1010Asn; replaces serine 1010 with asparagine.
Molecular consequence: missense variant.
Genome position (GRCh38, 1-based): chr13:33,064,176, G>A. VCF-style: chr13-33064176-G-A. GRCh37 (hg19) VCF-style: chr13-33638313-G-A.
Other names: short protein forms S1010N.
Identifiers: ClinVar variation 64549 (VCV000064549.2), dbSNP rs387907446, ClinGen allele CA216383.

ClinVar aggregate classification (germline): Uncertain significance (0 of 4 stars; one submission).

Allele frequency attached by ClinVar (database versions not stated): gnomAD exomes below 0.00001.
gnomAD v4.1: 4 of 1,595,934 alleles (0.00025%); highest among the groups gnomAD compares: African/African-American, 0.0013%; no homozygotes.

Submission:

Martin Pollak Laboratory,  Beth Israel Deaconess Medical Center
Classification: Uncertain significance. Review status: no assertion criteria provided. Collection method: not provided. Allele origin: unknown.
Comment: Lower UCa2+ group
ClinVar note: Converted during submission from unknown to Uncertain significance.